The following is an entry in ClinVar:

NM_020831.6(MRTFA):c.2928G>T (p.Met976Ile)

Gene: MRTFA (myocardin related transcription factor A; minus strand). Cytogenetic location: 22q13.1.
Variant type: single nucleotide variant.
Coding change: c.2928G>T on transcript NM_020831.6 (MANE Select); coding-DNA position 2928, G replaced by T.
Protein change: p.Met976Ile; replaces methionine 976 with isoleucine.
Molecular consequence: missense variant. On other transcripts: 3 prime UTR variant (1).
Genome position (GRCh38, 1-based): chr22:40,411,558, C>A on the plus strand (G>T on the coding strand, the complement: MRTFA is on the minus strand). VCF-style: chr22-40411558-C-A. GRCh37 (hg19) VCF-style: chr22-40807562-C-A.
Other names: c.2628G>T, p.Met876Ile (NM_001282660.2); c.2778G>T, p.Met926Ile (NM_001282661.3); c.*241G>T (NM_001282662.3); c.2733G>T, p.Met911Ile (NM_001318139.2); c.2628G>T (NM_020831.3); short protein forms M876I, M911I, M926I, M976I.
Identifiers: ClinVar variation 1675101 (VCV001675101.10), dbSNP rs146530131, ClinGen allele CA10249192.

ClinVar aggregate classification (germline): Uncertain significance. Review status: criteria provided, multiple submitters, no conflicts (2 of 4 stars). 3 submissions from 3 submitters: Uncertain significance (3). Last evaluated 2025-11-28.

Conditions:
Immunodeficiency 66. Identifiers: MedGen C5394265, MONDO:0030013, OMIM 618847.

Allele frequency attached by ClinVar (database versions not stated): gnomAD 0.00010 and 0.00011; TOPMed 0.00010; ESP Exome Variant Server 0.00023.
gnomAD v4.1: 222 of 1,613,690 alleles (0.014%); highest among the groups gnomAD compares: Non-Finnish European, 0.018%; no homozygotes.

Submissions (3):

Labcorp Genetics (formerly Invitae), Labcorp
Classification: Uncertain significance. Last evaluated: 2025-11-28. Review status: criteria provided, single submitter. Criteria: Invitae Variant Classification Sherloc (09022015). Collection method: clinical testing. Allele origin: germline.
Comment: This sequence change replaces methionine, which is neutral and non-polar, with isoleucine, which is neutral and non-polar, at codon 876 of the MKL1 protein (p.Met876Ile). This variant is present in population databases (rs146530131, gnomAD 0.01%). This variant has not been reported in the literature in individuals affected with MKL1-related conditions. ClinVar contains an entry for this variant (Variation ID: 1675101). An algorithm developed to predict the effect of missense changes on protein structure and function (PolyPhen-2) suggests that this variant is likely to be tolerated. In summary, the available evidence is currently insufficient to determine the role of this variant in disease. Therefore, it has been classified as a Variant of Uncertain Significance.

Ambry Genetics
Classification: Uncertain significance. Last evaluated: 2025-08-12. Review status: criteria provided, single submitter. Criteria: Ambry Variant Classification Scheme 2023. Collection method: clinical testing. Allele origin: germline.

Center for Genomics, Ann and Robert H. Lurie Children's Hospital of Chicago
Classification: Uncertain significance for Immunodeficiency 66. Last evaluated: 2021-05-03. Review status: criteria provided, single submitter. Criteria: ACMG Guidelines, 2015. Collection method: clinical testing. Allele origin: germline.
Comment: MKL1 (MRTFA) NM_020831.4 exon 15 p.Met876Ile (c.2628G>T): This variant has not been reported in the literature but is present in 0.02% (14/68032) of European alleles in the Genome Aggregation Database. Evolutionary conservation for this variant is limited or unavailable; computational predictive tools suggest that this variant may not impact the protein. In summary, data on this variant is insufficient for disease classification. Therefore, the clinical significance of this variant is uncertain.